The following is an entry in ClinVar:

ClinVar aggregate classification (germline): Uncertain significance (1 of 4 stars; one submission).

Conditions:
Autosomal dominant epilepsy with auditory features. Identifiers: Orphanet 101046, MedGen C1838062, MONDO:0010898.

Submission:

Labcorp Genetics (formerly Invitae), Labcorp
Classification: Uncertain significance for Autosomal dominant epilepsy with auditory features. Last evaluated: 2022-07-11. Review status: criteria provided, single submitter. Criteria: Invitae Variant Classification Sherloc (09022015). Collection method: clinical testing. Allele origin: germline.
Comment: In summary, the available evidence is currently insufficient to determine the role of this variant in disease. Therefore, it has been classified as a Variant of Uncertain Significance. Algorithms developed to predict the effect of missense changes on protein structure and function are either unavailable or do not agree on the potential impact of this missense change (SIFT: "Tolerated"; PolyPhen-2: "Possibly Damaging"; Align-GVGD: "Class C0"). This variant has not been reported in the literature in individuals affected with LGI1-related conditions. This variant is not present in population databases (gnomAD no frequency). This sequence change replaces methionine, which is neutral and non-polar, with threonine, which is neutral and polar, at codon 458 of the LGI1 protein (p.Met458Thr).

NM_005097.4(LGI1):c.1373T>C (p.Met458Thr)

Gene: LGI1 (leucine rich glioma inactivated 1; plus strand). Cytogenetic location: 10q23.33.
Variant type: single nucleotide variant.
Coding change: c.1373T>C on transcript NM_005097.4 (MANE Select); coding-DNA position 1373, T replaced by C.
Protein change: p.Met458Thr; replaces methionine 458 with threonine.
Molecular consequence: missense variant. On other transcripts: non-coding transcript variant (1), intron variant (1).
Genome position (GRCh38, 1-based): chr10:93,797,502, T>C. VCF-style: chr10-93797502-T-C. GRCh37 (hg19) VCF-style: chr10-95557259-T-C.
Other names: c.1229T>C, p.Met410Thr (NM_001308276.2); c.839-247T>C (NM_001308275.2); short protein forms M458T, M410T.
Identifiers: ClinVar variation 2061947 (VCV002061947.4), dbSNP rs2492919653, ClinGen allele CA377629402.